The following is an entry in ClinVar:

NM_013432.5(TONSL):c.3676G>A (p.Val1226Met)

Gene: TONSL (tonsoku like, DNA repair protein; minus strand). Cytogenetic location: 8q24.3.
Variant type: single nucleotide variant.
Coding change: c.3676G>A on transcript NM_013432.5 (MANE Select); coding-DNA position 3676, G replaced by A.
Protein change: p.Val1226Met; replaces valine 1226 with methionine.
Molecular consequence: missense variant.
Genome position (GRCh38, 1-based): chr8:144,432,344, C>T on the plus strand (G>A on the coding strand, the complement: TONSL is on the minus strand). VCF-style: chr8-144432344-C-T. GRCh37 (hg19) VCF-style: chr8-145657727-C-T.
Other names: short protein forms V1226M.
Identifiers: ClinVar variation 2190157 (VCV002190157.1), dbSNP rs781946714, ClinGen allele CA4942416.

ClinVar aggregate classification (germline): Uncertain significance (1 of 4 stars; one submission).

Allele frequency attached by ClinVar (database versions not stated): ExAC 0.00002.
gnomAD v4.1: 55 of 1,613,498 alleles (0.0034%); highest among the groups gnomAD compares: South Asian, 0.026%; no homozygotes.

Submission:

Labcorp Genetics (formerly Invitae), Labcorp
Classification: Uncertain significance. Last evaluated: 2022-07-19. Review status: criteria provided, single submitter. Criteria: Invitae Variant Classification Sherloc (09022015). Collection method: clinical testing. Allele origin: germline.
Comment: This sequence change replaces valine, which is neutral and non-polar, with methionine, which is neutral and non-polar, at codon 1226 of the TONSL protein (p.Val1226Met). This variant is present in population databases (rs781946714, gnomAD 0.03%). This variant has not been reported in the literature in individuals affected with TONSL-related conditions. Algorithms developed to predict the effect of missense changes on protein structure and function output the following: SIFT: "Deleterious"; PolyPhen-2: "Benign"; Align-GVGD: "Class C0". The methionine amino acid residue is found in multiple mammalian species, which suggests that this missense change does not adversely affect protein function. In summary, the available evidence is currently insufficient to determine the role of this variant in disease. Therefore, it has been classified as a Variant of Uncertain Significance.